The following is an entry in ClinVar:

ClinVar aggregate classification (germline): Likely benign (0 of 4 stars; one submission).

Conditions:
TANC2-related disorder. Also called: TANC2-related condition.

Allele frequency attached by ClinVar (database versions not stated): ExAC 0.00006; ESP Exome Variant Server 0.00008; gnomAD 0.00015; 1000 Genomes Project 30x 0.00016; TOPMed 0.00018; 1000 Genomes Project 0.00020.
gnomAD v4.1: 53 of 1,613,890 alleles (0.0033%); highest among the groups gnomAD compares: African/African-American, 0.056%; no homozygotes.

Submission:

PreventionGenetics, part of Exact Sciences
Classification: Likely benign for TANC2-related condition. Last evaluated: 2024-07-03. Review status: no assertion criteria provided. Collection method: clinical testing. Allele origin: germline.
Comment: This variant is classified as likely benign based on ACMG/AMP sequence variant interpretation guidelines (Richards et al. 2015 PMID: 25741868, with internal and published modifications).

NM_001394998.1(TANC2):c.5224T>C (p.Leu1742=)

Gene: TANC2 (tetratricopeptide repeat, ankyrin repeat and coiled-coil containing 2; plus strand). Cytogenetic location: 17q23.3.
Variant type: single nucleotide variant.
Coding change: c.5224T>C on transcript NM_001394998.1 (MANE Select); coding-DNA position 5224, T replaced by C.
Protein change: p.Leu1742=; no amino-acid change (leucine 1742 retained).
Molecular consequence: synonymous variant.
Genome position (GRCh38, 1-based): chr17:63,420,954, T>C. VCF-style: chr17-63420954-T-C. GRCh37 (hg19) VCF-style: chr17-61498315-T-C.
Other names: c.5002T>C, p.Leu1668= (NM_001411076.1); c.4972T>C, p.Leu1658= (NM_025185.4).
Identifiers: ClinVar variation 3054119 (VCV003054119.2), dbSNP rs377391067, ClinGen allele CA8698397.